The following is an entry in ClinVar:

ClinVar aggregate classification (germline): Uncertain significance (1 of 4 stars; one submission).

Conditions:
Idiopathic generalized epilepsy. Also called: Generalised epilepsy; EIG. Identifiers: MedGen C0270850, MONDO:0005579, OMIM 600669.
Hyperaldosteronism, familial, type IV (HALD4). Also called: FH IV; ALDOSTERONISM, PRIMARY, AND HYPERTENSION. Identifiers: Orphanet 642671, MedGen C4310756, MONDO:0014875, OMIM 617027.

Allele frequency attached by ClinVar (database versions not stated): ExAC below 0.00001; gnomAD exomes 0.00005 and 0.00013; TOPMed 0.00005; gnomAD 0.00006.
gnomAD v4.1: 183 of 1,549,984 alleles (0.012%); highest among the groups gnomAD compares: Non-Finnish European, 0.015%; no homozygotes.

Submission:

Labcorp Genetics (formerly Invitae), Labcorp
Classification: Uncertain significance for Idiopathic generalized epilepsy; Hyperaldosteronism, familial, type IV. Last evaluated: 2024-01-08. Review status: criteria provided, single submitter. Criteria: Invitae Variant Classification Sherloc (09022015). Collection method: clinical testing. Allele origin: germline.
Comment: This sequence change replaces arginine, which is basic and polar, with cysteine, which is neutral and slightly polar, at codon 1823 of the CACNA1H protein (p.Arg1823Cys). This variant is present in population databases (rs60760436, gnomAD 0.01%). This variant has not been reported in the literature in individuals affected with CACNA1H-related conditions. ClinVar contains an entry for this variant (Variation ID: 641031). Advanced modeling of protein sequence and biophysical properties (such as structural, functional, and spatial information, amino acid conservation, physicochemical variation, residue mobility, and thermodynamic stability) performed at Invitae indicates that this missense variant is not expected to disrupt CACNA1H protein function with a negative predictive value of 80%. In summary, the available evidence is currently insufficient to determine the role of this variant in disease. Therefore, it has been classified as a Variant of Uncertain Significance.

NM_021098.3(CACNA1H):c.5467C>T (p.Arg1823Cys)

Gene: CACNA1H (calcium voltage-gated channel subunit alpha1 H; plus strand). Cytogenetic location: 16p13.3.
Variant type: single nucleotide variant.
Coding change: c.5467C>T on transcript NM_021098.3 (MANE Select); coding-DNA position 5467, C replaced by T.
Protein change: p.Arg1823Cys; replaces arginine 1823 with cysteine.
Molecular consequence: missense variant.
Genome position (GRCh38, 1-based): chr16:1,218,231, C>T. VCF-style: chr16-1218231-C-T. GRCh37 (hg19) VCF-style: chr16-1268231-C-T.
Other names: c.5449C>T, p.Arg1817Cys (NM_001005407.2); short protein forms R1823C, R1817C.
Identifiers: ClinVar variation 641031 (VCV000641031.8), dbSNP rs60760436, ClinGen allele CA7802046.